The following is an entry in ClinVar:

NM_021971.4(GMPPB):c.129+6A>C

Gene: GMPPB (GDP-mannose pyrophosphorylase B; minus strand). Cytogenetic location: 3p21.31.
Variant type: single nucleotide variant.
Coding change: c.129+6A>C on transcript NM_021971.4 (MANE Select); 6 bases into the intron after coding-DNA position 129, A replaced by C.
Molecular consequence: intron variant.
Genome position (GRCh38, 1-based): chr3:49,723,592, T>G on the plus strand (A>C on the coding strand, the complement: GMPPB is on the minus strand). VCF-style: chr3-49723592-T-G. GRCh37 (hg19) VCF-style: chr3-49761025-T-G.
Other names: c.129+6A>C (NM_013334.4).
Identifiers: ClinVar variation 1913907 (VCV001913907.5), dbSNP rs2544757964, ClinGen allele CA2580070115.

ClinVar aggregate classification (germline): Uncertain significance (1 of 4 stars; one submission).

Conditions:
Muscular dystrophy-dystroglycanopathy (congenital with impaired intellectual development), type B, 14. Also called: Muscular dystrophy-dystroglycanopathy (congenital with intellectual disability), type B14; Congenital muscular dystrophy-dystroglycanopathy with mental retardation, type B14; MUSCULAR DYSTROPHY, CONGENITAL, GMPPB-RELATED. Identifiers: MedGen C3809221, MONDO:0014141, OMIM 615351.
Muscular dystrophy-dystroglycanopathy (congenital with brain and eye anomalies), type A14. Also called: Congenital Muscular Dystrophy-Dystroglycanopathy with Brain and Eye Anomalies Type A 14; Congenital muscular dystrophy-dystroglycanopathy with brain and eye anomalies, type A14; Muscular dystrophy-dystroglycanopathy (congenital with brain and eye anomalies), type a, 14; WALKER-WARBURG SYNDROME OR MUSCLE-EYE-BRAIN DISEASE, GMPPB-RELATED. Identifiers: Orphanet 588, MedGen C3809216, MONDO:0014140, OMIM 615350.
Autosomal recessive limb-girdle muscular dystrophy type 2T. Also called: Limb-girdle muscular dystrophy-dystroglycanopathy, type C14; Muscular dystrophy-dystroglycanopathy (limb-girdle), type c, 14; MUSCULAR DYSTROPHY-DYSTROGLYCANOPATHY, LIMB-GIRDLE, GMPPB-RELATED; MUSCULAR DYSTROPHY, LIMB-GIRDLE, TYPE 2T. Identifiers: Orphanet 363623, MedGen C4518000, MONDO:0014142, OMIM 615352.

Submission:

Labcorp Genetics (formerly Invitae), Labcorp
Classification: Uncertain significance for Autosomal recessive limb-girdle muscular dystrophy type 2T; Muscular dystrophy-dystroglycanopathy (congenital with brain and eye anomalies), type A14; Muscular dystrophy-dystroglycanopathy (congenital with impaired intellectual development), type B, 14. Last evaluated: 2022-02-10. Review status: criteria provided, single submitter. Criteria: Invitae Variant Classification Sherloc (09022015). Collection method: clinical testing. Allele origin: germline.
Comment: This variant is not present in population databases (gnomAD no frequency). This sequence change falls in intron 1 of the GMPPB gene. It does not directly change the encoded amino acid sequence of the GMPPB protein. It affects a nucleotide within the consensus splice site. In summary, the available evidence is currently insufficient to determine the role of this variant in disease. Therefore, it has been classified as a Variant of Uncertain Significance. Variants that disrupt the consensus splice site are a relatively common cause of aberrant splicing (PMID: 17576681, 9536098). Algorithms developed to predict the effect of sequence changes on RNA splicing suggest that this variant is not likely to affect RNA splicing. This variant has not been reported in the literature in individuals affected with GMPPB-related conditions.

Literature cited by the submitters: PubMed 17576681; PubMed 9536098.